The following is an entry in ClinVar:

ClinVar aggregate classification (germline): Conflicting classifications of pathogenicity. Review status: criteria provided, conflicting classifications (1 of 4 stars). 5 submissions from 2 submitters: Uncertain significance (1); Benign (1); Likely benign (3). Last evaluated 2018-01-12.

Conditions:
Familial Hypertrophic Cardiomyopathy with Wolff-Parkinson-White Syndrome. Identifiers: MedGen CN239247.
Dilated cardiomyopathy 2A (CMD2A). Also called: CARDIOMYOPATHY, CONGESTIVE, AUTOSOMAL RECESSIVE; CARDIOMYOPATHY, DILATED, AUTOSOMAL RECESSIVE. Identifiers: Orphanet 154, MedGen C2678474, MONDO:0012746, OMIM 611880.
Hypertrophic cardiomyopathy 7. Also called: CARDIOMYOPATHY, FAMILIAL HYPERTROPHIC, 7, MODIFIER OF; TNNI3-Related Familial Hypertrophic Cardiomyopathy; Familial hypertrophic cardiomyopathy 7. Identifiers: MedGen C1860752, MONDO:0013369, OMIM 613690.
Cardiomyopathy, familial restrictive, 1. Identifiers: Orphanet 75249, MedGen C1861861, MONDO:0007270, OMIM 115210.

Allele frequency attached by ClinVar (database versions not stated): gnomAD 0.00004 and 0.00103; ESP Exome Variant Server 0.00008; TOPMed 0.00023; gnomAD exomes 0.00319; ExAC 0.00364; 1000 Genomes Project 0.00759; 1000 Genomes Project 30x 0.00812.
gnomAD v4.1: 2,524 of 1,593,514 alleles (0.16%); highest among the groups gnomAD compares: South Asian, 2.6%; 55 homozygotes.

Submissions (5):

Illumina Laboratory Services, Illumina
Classification: Likely benign for Familial Hypertrophic Cardiomyopathy with Wolff-Parkinson-White Syndrome. Last evaluated: 2018-01-12. Review status: criteria provided, single submitter. Criteria: ICSL Variant Classification Criteria 13 December 2019. Collection method: clinical testing. Allele origin: germline.
Comment: This variant was observed in the ICSL laboratory as part of a predisposition screen in an ostensibly healthy population. It had not been previously curated by ICSL or reported in the Human Gene Mutation Database (HGMD: prior to June 1st, 2018), and was therefore a candidate for classification through an automated scoring system. Utilizing variant allele frequency, disease prevalence and penetrance estimates, and inheritance mode, an automated score was calculated to assess if this variant is too frequent to cause the disease. Based on the score and internal cut-off values, a variant classified as likely benign is not then subjected to further curation. The score for this variant resulted in a classification of likely benign for this disease.

Illumina Laboratory Services, Illumina
Classification: Uncertain significance for Dilated cardiomyopathy 2A. Last evaluated: 2018-01-12. Review status: criteria provided, single submitter. Criteria: ICSL Variant Classification Criteria 13 December 2019. Collection method: clinical testing. Allele origin: germline.

Illumina Laboratory Services, Illumina
Classification: Likely benign for Hypertrophic cardiomyopathy 7. Last evaluated: 2018-01-12. Review status: criteria provided, single submitter. Criteria: ICSL Variant Classification Criteria 13 December 2019. Collection method: clinical testing. Allele origin: germline.
Comment: the same text as in the submission from Illumina Laboratory Services, Illumina above.

Illumina Laboratory Services, Illumina
Classification: Likely benign for Cardiomyopathy, familial restrictive, 1. Last evaluated: 2018-01-12. Review status: criteria provided, single submitter. Criteria: ICSL Variant Classification Criteria 13 December 2019. Collection method: clinical testing. Allele origin: germline.
Comment: the same text as in the submission from Illumina Laboratory Services, Illumina above.

GeneDx
Classification: Benign. Last evaluated: 2015-03-03. Review status: criteria provided, single submitter. Criteria: GeneDx Variant Classification Process June 2021. Collection method: clinical testing. Allele origin: germline. Affected: yes.

NM_000363.5(TNNI3):c.*35C>T

Gene: TNNI3 (troponin I3, cardiac type; minus strand). Cytogenetic location: 19q13.42.
Variant type: single nucleotide variant.
Coding change: c.*35C>T on transcript NM_000363.5 (MANE Select); 35 bases downstream of the stop codon, C replaced by T.
Molecular consequence: 3 prime UTR variant.
Genome position (GRCh38, 1-based): chr19:55,151,799, G>A on the plus strand (C>T on the coding strand, the complement: TNNI3 is on the minus strand). VCF-style: chr19-55151799-G-A. GRCh37 (hg19) VCF-style: chr19-55663167-G-A.
Identifiers: ClinVar variation 188677 (VCV000188677.7), dbSNP rs375447438, ClinGen allele CA021540.
Genomic context (GRCh38, chr19:55,151,799, plus strand): 5'-AAGCCCTGGGTAATAGACATGGAGTCACTTTCAGCTCAGAGAGAAGCTTTATTCCTCAGG[G>A]CCCTCCTCAGGGCAGGGGCAGTAGGCAGGAAGGCTCAGCTCTCAAACTTTTTCTTGCGGC-3'